The following is an entry in ClinVar:

ClinVar aggregate classification (germline): Uncertain significance. Review status: criteria provided, multiple submitters, no conflicts (2 of 4 stars). 2 submissions from 2 submitters: Uncertain significance (2). Last evaluated 2024-06-13.

Conditions:
Familial thoracic aortic aneurysm and aortic dissection (TAAD). Also called: Thoracic aortic aneurysms and dissections. Identifiers: Orphanet 91387, MedGen C4707243, MONDO:0019625.
Congenital contractural arachnodactyly (CCA). Also called: BEALS SYNDROME; Arthrogryposis, distal, type 9; Beals-Hecht syndrome. Identifiers: Orphanet 115, MedGen C0220668, MONDO:0007363, OMIM 121050.

Allele frequency attached by ClinVar (database versions not stated): TOPMed below 0.00001; ExAC 0.00001; gnomAD 0.00001; gnomAD exomes 0.00001.
gnomAD v4.1: 50 of 1,613,684 alleles (0.0031%); highest among the groups gnomAD compares: Non-Finnish European, 0.0038%; no homozygotes.

Submissions (2):

Labcorp Genetics (formerly Invitae), Labcorp
Classification: Uncertain significance for Congenital contractural arachnodactyly. Last evaluated: 2024-06-13. Review status: criteria provided, single submitter. Criteria: Invitae Variant Classification Sherloc (09022015). Collection method: clinical testing. Allele origin: germline.
Comment: This sequence change replaces glycine, which is neutral and non-polar, with valine, which is neutral and non-polar, at codon 524 of the FBN2 protein (p.Gly524Val). This variant is present in population databases (rs753734866, gnomAD 0.002%). This variant has not been reported in the literature in individuals affected with FBN2-related conditions. ClinVar contains an entry for this variant (Variation ID: 642942). Advanced modeling of protein sequence and biophysical properties (such as structural, functional, and spatial information, amino acid conservation, physicochemical variation, residue mobility, and thermodynamic stability) performed at Invitae indicates that this missense variant is expected to disrupt FBN2 protein function with a positive predictive value of 80%. In summary, the available evidence is currently insufficient to determine the role of this variant in disease. Therefore, it has been classified as a Variant of Uncertain Significance.

Ambry Genetics
Classification: Uncertain significance for Familial thoracic aortic aneurysm and aortic dissection. Last evaluated: 2023-03-13. Review status: criteria provided, single submitter. Criteria: Ambry Variant Classification Scheme 2023. Collection method: clinical testing. Allele origin: germline.
Comment: The p.G524V variant (also known as c.1571G>T), located in coding exon 11 of the FBN2 gene, results from a G to T substitution at nucleotide position 1571. The glycine at codon 524 is replaced by valine, an amino acid with dissimilar properties. This amino acid position is highly conserved in available vertebrate species. In addition, this alteration is predicted to be deleterious by in silico analysis. Since supporting evidence is limited at this time, the clinical significance of this alteration remains unclear.

NM_001999.4(FBN2):c.1571G>T (p.Gly524Val)

Gene: FBN2 (fibrillin 2; minus strand). Cytogenetic location: 5q23.3.
Variant type: single nucleotide variant.
Coding change: c.1571G>T on transcript NM_001999.4 (MANE Select); coding-DNA position 1571, G replaced by T.
Protein change: p.Gly524Val; replaces glycine 524 with valine.
Molecular consequence: missense variant.
Genome position (GRCh38, 1-based): chr5:128,392,050, C>A on the plus strand (G>T on the coding strand, the complement: FBN2 is on the minus strand). VCF-style: chr5-128392050-C-A. GRCh37 (hg19) VCF-style: chr5-127727743-C-A.
Other names: short protein forms G524V.
Identifiers: ClinVar variation 642942 (VCV000642942.12), dbSNP rs753734866, ClinGen allele CA3395772.